The following is an entry in ClinVar:

ClinVar aggregate classification (germline): Uncertain significance. Review status: criteria provided, multiple submitters, no conflicts (2 of 4 stars). 2 submissions from 2 submitters: Uncertain significance (2). Last evaluated 2025-02-01.

Conditions:
Inborn genetic diseases. Identifiers: MedGen C0950123, MeSH D030342.

gnomAD v4.1: 1 of 1,609,574 alleles (0.000062%); no homozygotes.

Submissions (2):

Ambry Genetics
Classification: Uncertain significance for Inborn genetic diseases. Last evaluated: 2025-02-01. Review status: criteria provided, single submitter. Criteria: Ambry Variant Classification Scheme 2023. Collection method: clinical testing. Allele origin: germline.

Labcorp Genetics (formerly Invitae), Labcorp
Classification: Uncertain significance. Last evaluated: 2024-04-16. Review status: criteria provided, single submitter. Criteria: Invitae Variant Classification Sherloc (09022015). Collection method: clinical testing. Allele origin: germline.
Comment: This sequence change replaces proline, which is neutral and non-polar, with alanine, which is neutral and non-polar, at codon 195 of the FREM1 protein (p.Pro195Ala). This variant is present in population databases (no rsID available, gnomAD 0.0009%). This variant has not been reported in the literature in individuals affected with FREM1-related conditions. An algorithm developed to predict the effect of missense changes on protein structure and function (PolyPhen-2) suggests that this variant is likely to be tolerated. In summary, the available evidence is currently insufficient to determine the role of this variant in disease. Therefore, it has been classified as a Variant of Uncertain Significance.

NM_001379081.2(FREM1):c.583C>G (p.Pro195Ala)

Gene: FREM1 (FRAS1 related extracellular matrix 1; minus strand). Cytogenetic location: 9p22.3.
Variant type: single nucleotide variant.
Coding change: c.583C>G on transcript NM_001379081.2 (MANE Select); coding-DNA position 583, C replaced by G.
Protein change: p.Pro195Ala; replaces proline 195 with alanine.
Molecular consequence: missense variant. On other transcripts: non-coding transcript variant (4).
Genome position (GRCh38, 1-based): chr9:14,859,231, G>C on the plus strand (C>G on the coding strand, the complement: FREM1 is on the minus strand). VCF-style: chr9-14859231-G-C. GRCh37 (hg19) VCF-style: chr9-14859229-G-C.
Other names: c.583C>G, p.Pro195Ala (NM_001370060.1, NM_001370063.1, NM_001370065.1 and 1 more transcripts); c.583C>G (NM_144966.5); short protein forms P195A.
Identifiers: ClinVar variation 3646820 (VCV003646820.3).